The following is an entry in ClinVar:

ClinVar aggregate classification (germline): Uncertain significance. Review status: criteria provided, multiple submitters, no conflicts (2 of 4 stars). 2 submissions from 2 submitters: Uncertain significance (2). Last evaluated 2025-09-22.

Conditions:
Cardiovascular phenotype. Identifiers: MedGen CN230736.
Catecholaminergic polymorphic ventricular tachycardia 1. Also called: VENTRICULAR TACHYCARDIA, CATECHOLAMINERGIC POLYMORPHIC, 1, WITH OR WITHOUT ATRIAL DYSFUNCTION AND/OR DILATED CARDIOMYOPATHY; RYR2-Related Catecholaminergic Polymorphic Ventricular Tachycardia; VENTRICULAR TACHYCARDIA, STRESS-INDUCED POLYMORPHIC 1. Identifiers: Orphanet 3286, MedGen C1631597, MONDO:0011484, OMIM 604772.

Submissions (2):

Labcorp Genetics (formerly Invitae), Labcorp
Classification: Uncertain significance for Catecholaminergic polymorphic ventricular tachycardia 1. Last evaluated: 2025-09-22. Review status: criteria provided, single submitter. Criteria: Invitae Variant Classification Sherloc (09022015). Collection method: clinical testing. Allele origin: germline.
Comment: This sequence change replaces glycine, which is neutral and non-polar, with arginine, which is basic and polar, at codon 4935 of the RYR2 protein (p.Gly4935Arg). This variant is not present in population databases (gnomAD no frequency). This missense change has been observed in individual(s) with clinical features of RYR2-related conditions (PMID: 32152366, 33825858, 36203036). This variant is also known as Gly4936Arg. ClinVar contains an entry for this variant (Variation ID: 1773556). Invitae Evidence Modeling of protein sequence and biophysical properties (such as structural, functional, and spatial information, amino acid conservation, physicochemical variation, residue mobility, and thermodynamic stability) indicates that this missense variant is expected to disrupt RYR2 protein function with a positive predictive value of 95%. Experimental studies have shown that this missense change affects RYR2 function (PMID: 33825858). In summary, the available evidence is currently insufficient to determine the role of this variant in disease. Therefore, it has been classified as a Variant of Uncertain Significance.

Ambry Genetics
Classification: Uncertain significance for Cardiovascular phenotype. Last evaluated: 2018-02-02. Review status: criteria provided, single submitter. Criteria: Ambry Variant Classification Scheme 2023. Collection method: clinical testing. Allele origin: germline.
Comment: The p.G4935R variant (also known as c.14803G>A), located in coding exon 104 of the RYR2 gene, results from a G to A substitution at nucleotide position 14803. The glycine at codon 4935 is replaced by arginine, an amino acid with dissimilar properties. This alteration has been reported as de novo in a sudden unexplained death cohort in a child who had a history of seizures, particularly with physical exertion, but had reportedly normal ECG results and no related family history (Medeiros-Domingo A et al. J. Am. Coll. Cardiol., 2009 Nov;54:2065-74; Johnson JN et al. J. Child Neurol., 2010 Jul;25:916-21; Tester DJ et al. Mayo Clin. Proc., 2012 Jun;87:524-39; Anderson JH et al. Circ Cardiovasc Genet, 2016 Jun;9:259-65). This amino acid position is highly conserved in available vertebrate species. In addition, this alteration is predicted to be deleterious by in silico analysis. Since supporting evidence is limited at this time, the clinical significance of this alteration remains unclear.

Literature cited by the submitters: PubMed 32152366 (cited by Labcorp Genetics (formerly Invitae), Labcorp); PubMed 33825858 (cited by Labcorp Genetics (formerly Invitae), Labcorp); PubMed 36203036 (cited by Labcorp Genetics (formerly Invitae), Labcorp); PubMed 19926015 (cited by Ambry Genetics); PubMed 20395638 (cited by Ambry Genetics); PubMed 22677073 (cited by Ambry Genetics); PubMed 24025405 (cited by Ambry Genetics); PubMed 27114410 (cited by Ambry Genetics).

NM_001035.3(RYR2):c.14803G>A (p.Gly4935Arg)

Gene: RYR2 (ryanodine receptor 2; plus strand). Cytogenetic location: 1q43.
Variant type: single nucleotide variant.
Coding change: c.14803G>A on transcript NM_001035.3 (MANE Select); coding-DNA position 14803, G replaced by A.
Protein change: p.Gly4935Arg; replaces glycine 4935 with arginine.
Molecular consequence: missense variant.
Genome position (GRCh38, 1-based): chr1:237,831,560, G>A. VCF-style: chr1-237831560-G-A. GRCh37 (hg19) VCF-style: chr1-237994860-G-A.
Other names: short protein forms G4935R.
Identifiers: ClinVar variation 1773556 (VCV001773556.4), dbSNP rs2528487510, ClinGen allele CA345409983.
Genomic context (GRCh38, chr1:237,831,560, plus strand): 5'-CTCTGTATCTGTAGGTTTTTTCTGATGTATCTTATAAACAAAGATGAAACAGAACACACA[G>A]GACAGGTAGGTAAATTATTACATGTCATCTTCTGAAAGAAATGATAGAGAAGCTCTAAAT-3'
Protein context (NP_001026.2, residues 4925-4945): LINKDETEHT[Gly4935Arg]QESYVWKMYQ